The following is an entry in ClinVar:

ClinVar aggregate classification (germline): Uncertain significance. Review status: criteria provided, multiple submitters, no conflicts (2 of 4 stars). 12 submissions from 12 submitters: Uncertain significance (11). 1 of the submissions does not count toward it. Last evaluated 2026-07-01.

Conditions:
GAA-related disorder. Also called: GAA-related condition.
Cardiovascular phenotype. Identifiers: MedGen CN230736.
Glycogen storage disease, type II (IOPD). Also called: CARDIOMEGALIA GLYCOGENICA DIFFUSA; GLYCOGENOSIS, GENERALIZED, CARDIAC FORM; GSD II; Pompe Disease; Glycogen storage disease type 2; Acid maltase deficiency disease. Identifiers: Orphanet 365, MedGen C0017921, MONDO:0009290, OMIM 232300.

Allele frequency attached by ClinVar (database versions not stated): gnomAD exomes 0.00005 and 0.00011; ExAC 0.00012; gnomAD 0.00024 and 0.00027; TOPMed 0.00034; ESP Exome Variant Server 0.00046; 1000 Genomes Project 0.00080; 1000 Genomes Project 30x 0.00094.
gnomAD v4.1: 113 of 1,613,540 alleles (0.007%); highest among the groups gnomAD compares: African/African-American, 0.1%; no homozygotes.

Submissions (12):

Genomenon, Inc
Classification: Uncertain significance for Glycogen storage disease, type II. Last evaluated: 2026-07-01. Review status: criteria provided, single submitter. Criteria: Genomenon Sequence Variant Interpretation Standards - Updated. Collection method: curation. Allele origin: germline. Affected: no.
Comment: GAA p.Gly759Arg (c.2275G>A) is a missense variant that changes the amino acid at codon 759 from Glycine to Arginine. This variant has been identified in an individual who also harbors a pathogenic variant in the same gene, suggesting that this variant is unlikely to be clinically significant (PMID:34357340). It is absent or not present at a significant frequency in gnomAD. In silico models predict that this variant is possibly or probably damaging. In conclusion, we classify GAA p.Gly759Arg (c.2275G>A) as a variant of uncertain significance.

PreventionGenetics, part of Exact Sciences
Classification: Uncertain significance for GAA-related condition. Last evaluated: 2026-02-27. Review status: criteria provided, single submitter. Criteria: ACMG Guidelines, 2015. Collection method: clinical testing. Allele origin: germline.
Comment: The GAA c.2275G>A variant is predicted to result in the amino acid substitution p.Gly759Arg. To our knowledge, this variant has not been reported in the literature. This variant is reported in 0.084% of alleles in individuals of African descent in gnomAD. Although we suspect that this variant may be benign, at this time, the clinical significance of this variant is uncertain due to the absence of conclusive functional and genetic evidence.

GeneDx
Classification: Uncertain significance. Last evaluated: 2025-10-09. Review status: criteria provided, single submitter. Criteria: GeneDx Variant Classification Process June 2021. Collection method: clinical testing. Allele origin: germline. Affected: yes.
Comment: Observed with two additional variants in GAA in siblings with reduced acid alpha-glucosidase activity on newborn screening; the phase of these variants was not reported (PMID: 34357340); In silico analysis supports that this missense variant has a deleterious effect on protein structure/function; This variant is associated with the following publications: (PMID: 19343043, 22253258, 39678382, 34357340)

Revvity Omics, Revvity
Classification: Uncertain significance. Last evaluated: 2025-04-28. Review status: criteria provided, single submitter. Criteria: ACMG Guidelines, 2015. Collection method: clinical testing. Allele origin: germline.

Blueprint Genetics
Classification: Uncertain significance. Last evaluated: 2024-11-21. Review status: criteria provided, single submitter. Criteria: ACMG Guidelines, 2015. Collection method: clinical testing. Allele origin: germline.

Ambry Genetics
Classification: Uncertain significance for Cardiovascular phenotype. Last evaluated: 2024-09-19. Review status: criteria provided, single submitter. Criteria: Ambry Variant Classification Scheme 2023. Collection method: clinical testing. Allele origin: germline.
Comment: The p.G759R variant (also known as c.2275G>A), located in coding exon 15 of the GAA gene, results from a G to A substitution at nucleotide position 2275. The glycine at codon 759 is replaced by arginine, an amino acid with dissimilar properties. This variant was detected in two siblings with Pompe disease who also had two additional variants in the GAA gene; however, additional details were limited (Saville JT et al. Metabolites, 2021 Jul;11). This amino acid position is well conserved in available vertebrate species. In addition, the in silico prediction for this alteration is inconclusive. Based on the available evidence, the clinical significance of this variant remains unclear.

Fulgent Genetics
Classification: Uncertain significance for Glycogen storage disease, type II. Last evaluated: 2024-05-01. Review status: criteria provided, single submitter. Criteria: ACMG Guidelines, 2015. Collection method: clinical testing. Allele origin: germline.

Labcorp Genetics (formerly Invitae), Labcorp
Classification: Uncertain significance for Glycogen storage disease, type II. Last evaluated: 2022-08-15. Review status: criteria provided, single submitter. Criteria: Invitae Variant Classification Sherloc (09022015). Collection method: clinical testing. Allele origin: germline.
Comment: This sequence change replaces glycine, which is neutral and non-polar, with arginine, which is basic and polar, at codon 759 of the GAA protein (p.Gly759Arg). This variant is present in population databases (rs138183791, gnomAD 0.09%). This variant has not been reported in the literature in individuals affected with GAA-related conditions. ClinVar contains an entry for this variant (Variation ID: 281241). Advanced modeling of protein sequence and biophysical properties (such as structural, functional, and spatial information, amino acid conservation, physicochemical variation, residue mobility, and thermodynamic stability) performed at Invitae indicates that this missense variant is expected to disrupt GAA protein function. In summary, the available evidence is currently insufficient to determine the role of this variant in disease. Therefore, it has been classified as a Variant of Uncertain Significance.

Department of Pathology and Laboratory Medicine, Sinai Health System
Classification: Uncertain significance for Glycogen storage disease, type II. Last evaluated: 2021-09-07. Review status: criteria provided, single submitter. Criteria: ACMG Guidelines, 2015. Collection method: research. Allele origin: germline.

Genome-Nilou Lab
Classification: Uncertain significance for Glycogen storage disease, type II. Last evaluated: 2021-09-05. Review status: criteria provided, single submitter. Criteria: ACMG Guidelines, 2015. Collection method: clinical testing. Allele origin: germline. Affected: no.

Eurofins Ntd Llc (ga)
Classification: Uncertain significance. Last evaluated: 2018-06-11. Review status: criteria provided, single submitter. Criteria: EGL ClinVar v180209 classification definitions. Collection method: clinical testing. Allele origin: germline. Observed: 4 variant alleles, 4 heterozygotes.

Natera, Inc.
Classification: Uncertain significance for Glycogen storage disease type II. Last evaluated: 2020-03-20. Review status: no assertion criteria provided. Collection method: clinical testing. Allele origin: germline. Not counted in ClinVar's aggregate classification.

Literature cited by the submitters: PubMed 34357340 (cited by Genomenon, Inc and Ambry Genetics).

NM_000152.5(GAA):c.2275G>A (p.Gly759Arg)

Gene: GAA (alpha glucosidase; plus strand). Cytogenetic location: 17q25.3.
Variant type: single nucleotide variant.
Coding change: c.2275G>A on transcript NM_000152.5 (MANE Select); coding-DNA position 2275, G replaced by A.
Protein change: p.Gly759Arg; replaces glycine 759 with arginine.
Molecular consequence: missense variant.
Genome position (GRCh38, 1-based): chr17:80,117,053, G>A. VCF-style: chr17-80117053-G-A. GRCh37 (hg19) VCF-style: chr17-78090852-G-A.
Other names: c.2275G>A (NM_000152.4, LRG_673t1); c.2275G>A, p.Gly759Arg (NM_001079803.3, NM_001079804.3); short protein forms G759R.
Identifiers: ClinVar variation 281241 (VCV000281241.29), dbSNP rs138183791, ClinGen allele CA8815674.